The following is an entry in ClinVar:

NM_000091.5(COL4A3):c.1805G>A (p.Gly602Asp)

Genes: MFF-DT (MFF divergent transcript; minus strand), COL4A3 (collagen type IV alpha 3 chain; plus strand). Cytogenetic location: 2q36.3.
Variant type: single nucleotide variant.
Coding change: c.1805G>A on transcript NM_000091.5 (MANE Select); coding-DNA position 1805, G replaced by A.
Protein change: p.Gly602Asp; replaces glycine 602 with aspartic acid.
Molecular consequence: missense variant.
Genome position (GRCh38, 1-based): chr2:227,272,995, G>A. VCF-style: chr2-227272995-G-A. GRCh37 (hg19) VCF-style: chr2-228137711-G-A.
Other names: ATS3A; short protein forms G602D.
Identifiers: ClinVar variation 3382895 (VCV003382895.3).

ClinVar aggregate classification (germline): Uncertain significance. Review status: criteria provided, multiple submitters, no conflicts (2 of 4 stars). 2 submissions from 2 submitters: Uncertain significance (2). Last evaluated 2024-12-25.

Conditions:
Autosomal dominant Alport syndrome (ATS3A). Also called: Alport syndrome dominant type; Renal failure and sensorineural hearing loss; ALPORT SYNDROME 3A, AUTOSOMAL DOMINANT. Identifiers: Orphanet 63, Orphanet 88918, MedGen C5882663, MONDO:0007086, OMIM 104200.
Autosomal recessive Alport syndrome (ATS2). Also called: Alport syndrome type 2; ALPORT SYNDROME 2, AUTOSOMAL RECESSIVE; COL4A4 Alport Syndrome and Thin Basement Membrane Nephropathy; COL4A3-Related Nephropathy. Identifiers: Orphanet 63, Orphanet 88919, MedGen C4746745, MONDO:0008762, OMIM 203780.
Hematuria, benign familial, 1 (BFH1). Also called: THIN MEMBRANE NEPHROPATHY. Identifiers: MedGen CN376803, MONDO:0007709, OMIM 141200.

gnomAD v4.1: 3 of 1,614,062 alleles (0.00019%); highest among the groups gnomAD compares: Non-Finnish European, 0.00025%; no homozygotes.

Submissions (2):

Laboratory of Prof. Karen Avraham, Tel Aviv University
Classification: Uncertain significance for Autosomal dominant Alport syndrome. Last evaluated: 2024-12-25. Review status: criteria provided, single submitter. Criteria: ACMG Guidelines, 2015. Collection method: research. Allele origin: germline. Affected: yes. Observed: 1 variant allele.
Comment: The COL4A3 c.1805G>A:p.(Gly602Asp) heterozygous variant is predicted deleterious and not found in gnomAD.

Juno Genomics, Hangzhou Juno Genomics, Inc
Classification: Uncertain significance for Autosomal recessive Alport syndrome; Autosomal dominant Alport syndrome; Hematuria, benign familial, 1. Review status: criteria provided, single submitter. Criteria: ACMG Guidelines, 2015. Collection method: clinical testing. Allele origin: germline. Affected: yes.
Comment: Absent from controls (or at extremely low frequency if recessive) in Genome Aggregation Database, Exome Sequencing Project, 1000 Genomes Project, or Exome Aggregation Consortium.;Multiple lines of computational evidence support a deleterious effect on the gene or gene product (conservation, evolutionary, splicing impact, etc).;Patient's phenotype or family history is highly specific for a disease with a single genetic etiology.;Assumed de novo, but without confirmation of paternity and maternity.